The following is an entry in ClinVar:

ClinVar aggregate classification (germline): Uncertain significance. Review status: criteria provided, multiple submitters, no conflicts (2 of 4 stars). 3 submissions from 3 submitters: Uncertain significance (3). Last evaluated 2025-05-27.

Allele frequency attached by ClinVar (database versions not stated): gnomAD exomes 0.00002 and 0.00004; TOPMed 0.00008; 1000 Genomes Project 30x 0.00031; ExAC 0.00002; gnomAD 0.00006; 1000 Genomes Project 0.00020.
gnomAD v4.1: 45 of 1,613,416 alleles (0.0028%); highest among the groups gnomAD compares: Middle Eastern, 0.083%; no homozygotes.

Submissions (3):

Ambry Genetics
Classification: Uncertain significance. Last evaluated: 2025-05-27. Review status: criteria provided, single submitter. Criteria: Ambry Variant Classification Scheme 2023. Collection method: clinical testing. Allele origin: germline.

AiLife Diagnostics
Classification: Uncertain significance. Last evaluated: 2021-08-10. Review status: criteria provided, single submitter. Criteria: ACMG Guidelines, 2015. Collection method: clinical testing. Allele origin: germline. Affected: yes. Observed: 1 variant allele.

GeneDx
Classification: Uncertain significance. Last evaluated: 2021-04-08. Review status: criteria provided, single submitter. Criteria: GeneDx Variant Classification Process June 2021. Collection method: clinical testing. Allele origin: germline. Affected: yes.
Comment: In silico analysis supports that this missense variant does not alter protein structure/function; Has not been previously published as pathogenic or benign to our knowledge

NM_001308120.2(TOGARAM1):c.4514C>G (p.Thr1505Arg)

Gene: TOGARAM1 (TOG array regulator of axonemal microtubules 1; plus strand). Cytogenetic location: 14q21.2.
Variant type: single nucleotide variant.
Coding change: c.4514C>G on transcript NM_001308120.2 (MANE Select); coding-DNA position 4514, C replaced by G.
Protein change: p.Thr1505Arg; replaces threonine 1505 with arginine.
Molecular consequence: missense variant. On other transcripts: non-coding transcript variant (1).
Genome position (GRCh38, 1-based): chr14:45,054,504, C>G. VCF-style: chr14-45054504-C-G. GRCh37 (hg19) VCF-style: chr14-45523707-C-G.
Other names: c.4355C>G, p.Thr1452Arg (NM_015091.4); c.4355C>G (NM_015091.2); short protein forms T1452R, T1505R.
Identifiers: ClinVar variation 1316762 (VCV001316762.5), dbSNP rs542759991, ClinGen allele CA7167766.